The following is an entry in ClinVar:

NM_005422.4(TECTA):c.938A>C (p.Tyr313Ser)

Genes: TBCEL-TECTA (TBCEL-TECTA readthrough; plus strand), TECTA (tectorin alpha; plus strand). Cytogenetic location: 11q23.3.
Variant type: single nucleotide variant.
Coding change: c.938A>C on transcript NM_005422.4 (MANE Select); coding-DNA position 938, A replaced by C.
Protein change: p.Tyr313Ser; replaces tyrosine 313 with serine.
Molecular consequence: missense variant.
Genome position (GRCh38, 1-based): chr11:121,118,453, A>C. VCF-style: chr11-121118453-A-C. GRCh37 (hg19) VCF-style: chr11-120989162-A-C.
Other names: c.1895A>C, p.Tyr632Ser (NM_001378761.1); short protein forms Y313S, Y632S.
Identifiers: ClinVar variation 2499445 (VCV002499445.1), dbSNP rs144429489, ClinGen allele CA383007913.

ClinVar aggregate classification (germline): Uncertain significance (1 of 4 stars; one submission).

Allele frequency attached by ClinVar (database versions not stated): gnomAD exomes below 0.00001.
gnomAD v4.1: 2 of 1,614,166 alleles (0.00012%); highest among the groups gnomAD compares: Admixed American, 0.0033%; no homozygotes.

Submission:

GeneDx
Classification: Uncertain significance. Last evaluated: 2022-10-12. Review status: criteria provided, single submitter. Criteria: GeneDx Variant Classification Process June 2021. Collection method: clinical testing. Allele origin: germline. Affected: yes.
Comment: Not observed at significant frequency in large population cohorts (gnomAD); In silico analysis supports that this missense variant does not alter protein structure/function; Located in the von Willebrand factor type C (VWFC) and zonadhesin (ZA) domains (Verhoeven et al., 1998; Hildebrand et al., 2011; Yasukawa et al., 2019); Has not been previously published as pathogenic or benign to our knowledge; This variant is associated with the following publications: (PMID: 21520338, 31554319, 9590290)